The following is an entry in ClinVar:

NM_031935.3(HMCN1):c.8346G>C (p.Arg2782Ser)

Gene: HMCN1 (hemicentin 1; plus strand). Cytogenetic location: 1q31.1.
Variant type: single nucleotide variant.
Coding change: c.8346G>C on transcript NM_031935.3 (MANE Select); coding-DNA position 8346, G replaced by C.
Protein change: p.Arg2782Ser; replaces arginine 2782 with serine.
Molecular consequence: missense variant.
Genome position (GRCh38, 1-based): chr1:186,076,483, G>C. VCF-style: chr1-186076483-G-C. GRCh37 (hg19) VCF-style: chr1-186045615-G-C.
Other names: short protein forms R2782S.
Identifiers: ClinVar variation 294197 (VCV000294197.14), dbSNP rs199920138, ClinGen allele CA1293097.

ClinVar aggregate classification (germline): Uncertain significance. Review status: criteria provided, multiple submitters, no conflicts (2 of 4 stars). 4 submissions from 4 submitters: Uncertain significance (4). Last evaluated 2026-01-21.

Conditions:
Age related macular degeneration 1 (ARMD1). Also called: MACULOPATHY, AGE-RELATED, 1. Identifiers: MedGen C1864205, MONDO:0011285, OMIM 603075.

Allele frequency attached by ClinVar (database versions not stated): ESP Exome Variant Server 0.00008; ExAC 0.00014; gnomAD exomes 0.00015 and 0.00031; 1000 Genomes Project 30x 0.00016; gnomAD 0.00017; 1000 Genomes Project 0.00020; TOPMed 0.00021.
gnomAD v4.1: 482 of 1,613,708 alleles (0.03%); highest among the groups gnomAD compares: Non-Finnish European, 0.038%; no homozygotes.

Submissions (4):

Labcorp Genetics (formerly Invitae), Labcorp
Classification: Uncertain significance. Last evaluated: 2026-01-21. Review status: criteria provided, single submitter. Criteria: Invitae Variant Classification Sherloc (09022015). Collection method: clinical testing. Allele origin: germline.
Comment: This sequence change replaces arginine, which is basic and polar, with serine, which is neutral and polar, at codon 2782 of the HMCN1 protein (p.Arg2782Ser). This variant is present in population databases (rs199920138, gnomAD 0.03%). This variant has not been reported in the literature in individuals affected with HMCN1-related conditions. ClinVar contains an entry for this variant (Variation ID: 294197). An algorithm developed to predict the effect of missense changes on protein structure and function (PolyPhen-2) suggests that this variant is likely to be disruptive. In summary, the available evidence is currently insufficient to determine the role of this variant in disease. Therefore, it has been classified as a Variant of Uncertain Significance.

Ambry Genetics
Classification: Uncertain significance. Last evaluated: 2025-10-30. Review status: criteria provided, single submitter. Criteria: Ambry Variant Classification Scheme 2023. Collection method: clinical testing. Allele origin: germline.

Genome-Nilou Lab
Classification: Uncertain significance for Age related macular degeneration 1. Last evaluated: 2023-04-11. Review status: criteria provided, single submitter. Criteria: ACMG Guidelines, 2015. Collection method: clinical testing. Allele origin: germline. Affected: no.

Illumina Laboratory Services, Illumina
Classification: Uncertain significance for Age related macular degeneration 1. Last evaluated: 2018-01-13. Review status: criteria provided, single submitter. Criteria: ICSL Variant Classification Criteria 13 December 2019. Collection method: clinical testing. Allele origin: germline.